The following is an entry in ClinVar:

ClinVar aggregate classification (germline): Uncertain significance. Review status: criteria provided, multiple submitters, no conflicts (2 of 4 stars). 7 submissions from 6 submitters: Uncertain significance (6). 1 of the submissions does not count toward it. Last evaluated 2026-04-15.

Conditions:
Retinal dystrophy. Also called: Inherited retinal dystrophy. Identifiers: Orphanet 71862, MedGen C0854723, MeSH D058499, MONDO:0019118, HP:0000556.
Enhanced S-cone syndrome (ESCS). Identifiers: Orphanet 53540, MedGen C1849394, MONDO:0100288, MONDO:0009989.
NR2E3-related disorder. Also called: NR2E3-related disorders; NR2E3-related condition. Identifiers: MedGen CN239387.
Retinitis pigmentosa (RP). Identifiers: Orphanet 791, MedGen C0035334, MeSH D012174, MONDO:0019200, OMIM 268000. Inheritance: Autosomal dominant, autosomal recessive and X linked inheritance.

Allele frequency attached by ClinVar (database versions not stated): gnomAD 0.00001; TOPMed 0.00002; ESP Exome Variant Server 0.00008.

Submissions (7):

PreventionGenetics, part of Exact Sciences
Classification: Uncertain significance for NR2E3-related condition. Last evaluated: 2026-04-15. Review status: criteria provided, single submitter. Criteria: ACMG Guidelines, 2015. Collection method: clinical testing. Allele origin: germline.
Comment: The NR2E3 c.143G>A variant is predicted to result in the amino acid substitution p.Arg48His. To our knowledge, this variant has not been reported in the literature. This variant is reported in 0.0054% of alleles in individuals of European (Non-Finnish) descent in gnomAD. Another variant affecting the same amino acid position, c.142C>T, p.(Arg48Cys), has been reported in the compound heterozygous state in an indivdiual with enhanced S-cone syndrome (Kuniyoshi et al. 2013. PubMed ID: 23374571). At this time, the clinical significance of this variant is uncertain due to the absence of conclusive functional and genetic evidence.

Blueprint Genetics
Classification: Uncertain significance. Last evaluated: 2024-05-17. Review status: criteria provided, single submitter. Criteria: ACMG Guidelines, 2015. Collection method: clinical testing. Allele origin: germline.

Dept Of Ophthalmology, Nagoya University
Classification: Uncertain significance for Retinal dystrophy. Last evaluated: 2023-10-01. Review status: criteria provided, single submitter. Criteria: Submitter's publication. Collection method: research. Allele origin: germline. Affected: yes.

Labcorp Genetics (formerly Invitae), Labcorp
Classification: Uncertain significance. Last evaluated: 2022-08-12. Review status: criteria provided, single submitter. Criteria: Invitae Variant Classification Sherloc (09022015). Collection method: clinical testing. Allele origin: germline.
Comment: This sequence change replaces arginine, which is basic and polar, with histidine, which is basic and polar, at codon 48 of the NR2E3 protein (p.Arg48His). The frequency data for this variant in the population databases is considered unreliable, as metrics indicate poor data quality at this position in the gnomAD database. This variant has not been reported in the literature in individuals affected with NR2E3-related conditions. ClinVar contains an entry for this variant (Variation ID: 886142). In summary, the available evidence is currently insufficient to determine the role of this variant in disease. Therefore, it has been classified as a Variant of Uncertain Significance.

Illumina Laboratory Services, Illumina
Classification: Uncertain significance for Retinitis pigmentosa. Last evaluated: 2018-01-12. Review status: criteria provided, single submitter. Criteria: ICSL Variant Classification Criteria 13 December 2019. Collection method: clinical testing. Allele origin: germline.

Illumina Laboratory Services, Illumina
Classification: Uncertain significance for ENHANCED S-CONE SYNDROME 1. Last evaluated: 2018-01-12. Review status: criteria provided, single submitter. Criteria: ICSL Variant Classification Criteria 13 December 2019. Collection method: clinical testing. Allele origin: germline.

Natera, Inc.
Classification: Uncertain significance for Enhanced S cone syndrome. Last evaluated: 2021-01-12. Review status: no assertion criteria provided. Collection method: clinical testing. Allele origin: germline. Not counted in ClinVar's aggregate classification.

NM_014249.4(NR2E3):c.143G>A (p.Arg48His)

Gene: NR2E3 (nuclear receptor subfamily 2 group E member 3; plus strand). Cytogenetic location: 15q23.
Variant type: single nucleotide variant.
Coding change: c.143G>A on transcript NM_014249.4 (MANE Select); coding-DNA position 143, G replaced by A.
Protein change: p.Arg48His; replaces arginine 48 with histidine.
Molecular consequence: missense variant.
Genome position (GRCh38, 1-based): chr15:71,811,507, G>A. VCF-style: chr15-71811507-G-A. GRCh37 (hg19) VCF-style: chr15-72103847-G-A.
Other names: c.143G>A, p.Arg48His (NM_016346.4); short protein forms R48H.
Identifiers: ClinVar variation 886142 (VCV000886142.12), dbSNP rs372156526, ClinGen allele CA7640224.